The following is an entry in ClinVar:

ClinVar aggregate classification (germline): Likely benign. Review status: criteria provided, multiple submitters, no conflicts (2 of 4 stars). 2 submissions from 2 submitters: Likely benign (2). Last evaluated 2025-11-01.

Conditions:
Bethlem myopathy 1A. Also called: MYOPATHY, BENIGN CONGENITAL, WITH CONTRACTURES; Bethlem myopathy 1; Bethlem Muscular Dystrophy. Identifiers: Orphanet 610, MedGen CN029274, MONDO:0024530, OMIM 158810.
Collagen 6-related myopathy. Identifiers: MedGen CN117976, MONDO:0100225.

Allele frequency attached by ClinVar (database versions not stated): TOPMed 0.00002; gnomAD 0.00005 and 0.00006; ExAC 0.00011.
gnomAD v4.1: 65 of 1,584,262 alleles (0.0041%); highest among the groups gnomAD compares: Admixed American, 0.0036%; no homozygotes.

Submissions (2):

Labcorp Genetics (formerly Invitae), Labcorp
Classification: Likely benign for Bethlem myopathy 1A. Last evaluated: 2025-11-01. Review status: criteria provided, single submitter. Criteria: Invitae Variant Classification Sherloc (09022015). Collection method: clinical testing. Allele origin: germline.

Illumina Laboratory Services, Illumina
Classification: Likely benign for Collagen VI-related myopathy. Last evaluated: 2018-01-13. Review status: criteria provided, single submitter. Criteria: ICSL Variant Classification Criteria 13 December 2019. Collection method: clinical testing. Allele origin: germline.
Comment: This variant was observed in the ICSL laboratory as part of a predisposition screen in an ostensibly healthy population. It had not been previously curated by ICSL or reported in the Human Gene Mutation Database (HGMD: prior to June 1st, 2018), and was therefore a candidate for classification through an automated scoring system. Utilizing variant allele frequency, disease prevalence and penetrance estimates, and inheritance mode, an automated score was calculated to assess if this variant is too frequent to cause the disease. Based on the score and internal cut-off values, a variant classified as likely benign is not then subjected to further curation. The score for this variant resulted in a classification of likely benign for this disease.

NM_001848.3(COL6A1):c.1740+13G>T

Gene: COL6A1 (collagen type VI alpha 1 chain; plus strand). Cytogenetic location: 21q22.3.
Variant type: single nucleotide variant.
Coding change: c.1740+13G>T on transcript NM_001848.3 (MANE Select); 13 bases into the intron after coding-DNA position 1740, G replaced by T.
Molecular consequence: intron variant.
Genome position (GRCh38, 1-based): chr21:45,999,231, G>T. VCF-style: chr21-45999231-G-T. GRCh37 (hg19) VCF-style: chr21-47419145-G-T.
Identifiers: ClinVar variation 898730 (VCV000898730.11), dbSNP rs758377899, ClinGen allele CA10070506.
Genomic context (GRCh38, chr21:45,999,231, plus strand): 5'-CGAGGAGTCAAAGGAGCAAAGGGGTACCGGGGTCCCGAGGGCCCCCAGGTGGGTGGATGT[G>T]GCTGGGTGAGGCCACGGTGGGCTGTGCCTGGGACGCCGGATGCTGGGGCTGGGGAATGCT-3'